The following is an entry in ClinVar:

ClinVar aggregate classification (germline): Likely benign (1 of 4 stars; one submission).

Allele frequency attached by ClinVar (database versions not stated): 1000 Genomes Project 30x 0.00250; 1000 Genomes Project 0.00260; gnomAD 0.00510; ESP Exome Variant Server 0.00523; TOPMed 0.00546; ExAC 0.00810.
gnomAD v4.1: 9,743 of 1,612,424 alleles (0.6%); highest among the groups gnomAD compares: Middle Eastern, 2.2%; 47 homozygotes.

Submission:

CeGaT Center for Human Genetics Tuebingen
Classification: Likely benign. Last evaluated: 2026-05-01. Review status: criteria provided, single submitter. Criteria: CeGaT Center For Human Genetics Tuebingen Variant Classification Criteria Version 2. Collection method: clinical testing. Allele origin: germline. Affected: yes. Observed: 5 variant alleles.
Comment: CFAP58: BS2

NM_001008723.2(CFAP58):c.2086C>T (p.Arg696Cys)

Gene: CFAP58 (cilia and flagella associated protein 58; plus strand). Cytogenetic location: 10q25.1.
Variant type: single nucleotide variant.
Coding change: c.2086C>T on transcript NM_001008723.2 (MANE Select); coding-DNA position 2086, C replaced by T.
Protein change: p.Arg696Cys; replaces arginine 696 with cysteine.
Molecular consequence: missense variant.
Genome position (GRCh38, 1-based): chr10:104,403,775, C>T. VCF-style: chr10-104403775-C-T. GRCh37 (hg19) VCF-style: chr10-106163533-C-T.
Other names: c.2032C>T, p.Arg678Cys (NM_001400226.1, NM_001400227.1); short protein forms R678C, R696C.
Identifiers: ClinVar variation 2498470 (VCV002498470.28), dbSNP rs41291850, ClinGen allele CA5683053.